The following is an entry in ClinVar:

ClinVar aggregate classification (germline): Conflicting classifications of pathogenicity. Review status: criteria provided, conflicting classifications (1 of 4 stars). 5 submissions from 5 submitters: Uncertain significance (3); Likely benign (1). 1 of the submissions does not count toward it. Last evaluated 2026-01-20.

Conditions:
Inborn genetic diseases. Identifiers: MedGen C0950123, MeSH D030342.
Nemaline myopathy 2 (NEM2). Also called: Nemaline myopathy 2, autosomal recessive. Identifiers: MedGen C1850569, MONDO:0009725, OMIM 256030.

Allele frequency attached by ClinVar (database versions not stated): ESP Exome Variant Server 0.00008; gnomAD exomes 0.00011 and 0.00014; ExAC 0.00012; 1000 Genomes Project 0.00020; gnomAD 0.00024 and 0.00027; 1000 Genomes Project 30x 0.00031; TOPMed 0.00048.
gnomAD v4.1: 255 of 1,613,898 alleles (0.016%); highest among the groups gnomAD compares: Admixed American, 0.087%; 1 homozygote.

Submissions (5):

Labcorp Genetics (formerly Invitae), Labcorp
Classification: Likely benign for Nemaline myopathy 2. Last evaluated: 2026-01-20. Review status: criteria provided, single submitter. Criteria: Invitae Variant Classification Sherloc (09022015). Collection method: clinical testing. Allele origin: germline.

Revvity Omics, Revvity
Classification: Uncertain significance. Last evaluated: 2025-04-16. Review status: criteria provided, single submitter. Criteria: ACMG Guidelines, 2015. Collection method: clinical testing. Allele origin: germline.

Ambry Genetics
Classification: Uncertain significance for Inborn genetic diseases. Last evaluated: 2024-05-30. Review status: criteria provided, single submitter. Criteria: Ambry Variant Classification Scheme 2023. Collection method: clinical testing. Allele origin: germline.

Baylor Genetics
Classification: Uncertain significance for Nemaline myopathy 2. Last evaluated: 2019-12-17. Review status: criteria provided, single submitter. Criteria: ACMG Guidelines, 2015. Collection method: clinical testing. Allele origin: unknown. Affected: yes.
Comment: This variant was determined to be of uncertain significance according to ACMG Guidelines, 2015 [PMID:25741868].

Natera, Inc.
Classification: Uncertain significance for Nemaline myopathy type 2. Last evaluated: 2019-11-11. Review status: no assertion criteria provided. Collection method: clinical testing. Allele origin: germline. Not counted in ClinVar's aggregate classification.

NM_001164508.2(NEB):c.8024A>G (p.Asp2675Gly)

Gene: NEB (nebulin; minus strand). Cytogenetic location: 2q23.3.
Variant type: single nucleotide variant.
Coding change: c.8024A>G on transcript NM_001164508.2 (MANE Select); coding-DNA position 8024, A replaced by G.
Protein change: p.Asp2675Gly; replaces aspartic acid 2675 with glycine.
Molecular consequence: missense variant.
Genome position (GRCh38, 1-based): chr2:151,643,286, T>C on the plus strand (A>G on the coding strand, the complement: NEB is on the minus strand). VCF-style: chr2-151643286-T-C. GRCh37 (hg19) VCF-style: chr2-152499800-T-C.
Other names: c.8024A>G, p.Asp2675Gly (NM_001164507.2, NM_001271208.2, NM_004543.5); c.8024A>G (NM_004543.4); short protein forms D2675G.
Identifiers: ClinVar variation 572784 (VCV000572784.18), dbSNP rs183354017, ClinGen allele CA1909697.